The following is an entry in ClinVar:

NM_183357.3(ADCY5):c.3645C>T (p.Pro1215=)

Gene: ADCY5 (adenylate cyclase 5; minus strand). Cytogenetic location: 3q21.1.
Variant type: single nucleotide variant.
Coding change: c.3645C>T on transcript NM_183357.3 (MANE Select); coding-DNA position 3645, C replaced by T.
Protein change: p.Pro1215=; no amino-acid change (proline 1215 retained).
Molecular consequence: synonymous variant.
Genome position (GRCh38, 1-based): chr3:123,286,697, G>A on the plus strand (C>T on the coding strand, the complement: ADCY5 is on the minus strand). VCF-style: chr3-123286697-G-A. GRCh37 (hg19) VCF-style: chr3-123005544-G-A.
Other names: c.2595C>T, p.Pro865= (NM_001199642.1); c.3720C>T, p.Pro1240= (NM_001378259.1); c.3645C>T (NM_183357.2).
Identifiers: ClinVar variation 2728200 (VCV002728200.5), dbSNP rs377309404, ClinGen allele CA2576725.
Genomic context (GRCh38, chr3:123,286,697, plus strand): 5'-CACAGGACCTCCCATGGGGTGAGGGGTGGTGGATGCTCCTGCACTCACCTGGATGCGGTC[G>A]GGTACACCGGTGCTGTCCATGCGGCTGGCCACGTTCACGGTATTGCCCCAGATGTCGTAC-3'
Protein context (NP_899200.1, residues 1205-1225): VASRMDSTGV[Pro1215=]DRIQVTTDMY

ClinVar aggregate classification (germline): Likely benign. Review status: criteria provided, single submitter (1 of 4 stars). 2 submissions from 2 submitters: Likely benign (1). 1 of the submissions does not count toward it. Last evaluated 2025-10-02.

Conditions:
ADCY5-related disorder. Also called: ADCY5-related condition.

Allele frequency attached by ClinVar (database versions not stated): ExAC 0.00003; ESP Exome Variant Server 0.00008.
gnomAD v4.1: 80 of 1,611,608 alleles (0.005%); highest among the groups gnomAD compares: Middle Eastern, 0.016%; no homozygotes.

Submissions (2):

Labcorp Genetics (formerly Invitae), Labcorp
Classification: Likely benign. Last evaluated: 2025-10-02. Review status: criteria provided, single submitter. Criteria: Invitae Variant Classification Sherloc (09022015). Collection method: clinical testing. Allele origin: germline.

PreventionGenetics, part of Exact Sciences
Classification: Likely benign for ADCY5-related condition. Last evaluated: 2019-05-02. Review status: no assertion criteria provided. Collection method: clinical testing. Allele origin: germline. Not counted in ClinVar's aggregate classification.
Comment: This variant is classified as likely benign based on ACMG/AMP sequence variant interpretation guidelines (Richards et al. 2015 PMID: 25741868, with internal and published modifications).